The following is an entry in ClinVar:

NM_000268.4(NF2):c.1687A>C (p.Asn563His)

Gene: NF2 (NF2, moesin-ezrin-radixin like (MERLIN) tumor suppressor; plus strand). Cytogenetic location: 22q12.2.
Variant type: single nucleotide variant.
Coding change: c.1687A>C on transcript NM_000268.4 (MANE Select); coding-DNA position 1687, A replaced by C.
Protein change: p.Asn563His; replaces asparagine 563 with histidine.
Molecular consequence: missense variant. On other transcripts: intron variant (3).
Genome position (GRCh38, 1-based): chr22:29,681,551, A>C. VCF-style: chr22-29681551-A-C. GRCh37 (hg19) VCF-style: chr22-30077540-A-C.
Other names: c.1573A>C, p.Asn525His (NM_001407053.1, NM_001407056.1); c.1564A>C, p.Asn522His (NM_001407054.1, NM_001407058.1, NM_181829.3); c.1561A>C, p.Asn521His (NM_001407055.1, NM_181828.3); c.1552A>C, p.Asn518His (NM_001407057.1, NM_001407059.1); c.1429A>C, p.Asn477His (NM_001407062.1); c.1438A>C, p.Asn480His (NM_001407063.1, NM_181830.3, NM_181831.3); c.1153A>C, p.Asn385His (NM_001407065.1); c.1687A>C, p.Asn563His (NM_001407066.1, NM_016418.5, NM_181825.3 and 1 more transcripts); and 4 more; short protein forms N385H, N477H, N525H, N522H, N480H, N486H, N518H, N521H.
Identifiers: ClinVar variation 3707755 (VCV003707755.2).

ClinVar aggregate classification (germline): Uncertain significance (1 of 4 stars; one submission).

Conditions:
Neurofibromatosis, type 2 (SWNV). Also called: BILATERAL ACOUSTIC NEUROFIBROMATOSIS; SCHWANNOMATOSIS, VESTIBULAR; NF2-Related Schwannomatosis. Identifiers: Orphanet 637, MedGen C0027832, MONDO:0007039, OMIM 101000. Disease mechanism: loss of function.

Submission:

Labcorp Genetics (formerly Invitae), Labcorp
Classification: Uncertain significance for Neurofibromatosis, type 2. Last evaluated: 2024-12-14. Review status: criteria provided, single submitter. Criteria: Invitae Variant Classification Sherloc (09022015). Collection method: clinical testing. Allele origin: germline.
Comment: This sequence change replaces asparagine, which is neutral and polar, with histidine, which is basic and polar, at codon 563 of the NF2 protein (p.Asn563His). This variant is not present in population databases (gnomAD no frequency). This variant has not been reported in the literature in individuals affected with NF2-related conditions. Invitae Evidence Modeling of protein sequence and biophysical properties (such as structural, functional, and spatial information, amino acid conservation, physicochemical variation, residue mobility, and thermodynamic stability) indicates that this missense variant is not expected to disrupt NF2 protein function with a negative predictive value of 80%. In summary, the available evidence is currently insufficient to determine the role of this variant in disease. Therefore, it has been classified as a Variant of Uncertain Significance.